The following is an entry in ClinVar:

ClinVar aggregate classification (germline): Uncertain significance (1 of 4 stars; one submission).

Conditions:
Neurodevelopmental disorder with or without autism or seizures (NEDAUS). Identifiers: MedGen C5543225, MONDO:0030994, OMIM 619239.

Submission:

Victorian Clinical Genetics Services, Murdoch Childrens Research Institute
Classification: Uncertain significance for Neurodevelopmental disorder with or without autism or seizures. Last evaluated: 2025-04-29. Review status: criteria provided, single submitter. Criteria: ACMG Guidelines, 2015. Collection method: clinical testing. Allele origin: germline. Affected: yes.
Comment: This variant is classified as VUS-3A. Evidence in support of pathogenic classification: Non-canonical splice site variant without proven consequence on splicing (no functional evidence available); Variant is absent from gnomAD (v2, v3 and v4); Additional information: This variant is heterozygous; This gene is associated with autosomal dominant disease; This variant has no previous evidence of pathogenicity; No published segregation evidence has been identified for this variant; No published functional evidence has been identified for this variant; No comparable non-canonical splice site variants have previous evidence for pathogenicity; In silico prediction for abnormal splicing and nucleotide conservation are conflicting; Loss of function is a known mechanism of disease in this gene and is associated with neurodevelopmental disorder with or without autism or seizures (MIM#619239). Variants that result in the skipping of exon 9 have been associated with pseudohypoaldosteronism, type IIE (MIM#614496), however, the exact mechanism of disease is unknown (PMID: 29361671); Variants in this gene are known to have variable expressivity with regards to neurodevelopmental disorder with or without autism or seizures (OMIM).

Literature cited by the submitters: PubMed 29361671.

NM_003590.5(CUL3):c.264G>A (p.Lys88=)

Gene: CUL3 (cullin 3; minus strand). Cytogenetic location: 2q36.2.
Variant type: single nucleotide variant.
Coding change: c.264G>A on transcript NM_003590.5 (MANE Select); coding-DNA position 264, G replaced by A.
Protein change: p.Lys88=; no amino-acid change (lysine 88 retained).
Molecular consequence: synonymous variant. On other transcripts: intron variant (1).
Genome position (GRCh38, 1-based): chr2:224,557,659, C>T on the plus strand (G>A on the coding strand, the complement: CUL3 is on the minus strand). VCF-style: chr2-224557659-C-T. GRCh37 (hg19) VCF-style: chr2-225422376-C-T.
Other names: c.282G>A, p.Lys94= (NM_001257198.2); c.67-22018G>A (NM_001257197.2).
Identifiers: ClinVar variation 4531824 (VCV004531824.1).